The following is an entry in ClinVar:

NM_001165963.4(SCN1A):c.3705+3G>T

Genes: SCN1A (sodium voltage-gated channel alpha subunit 1; minus strand), LOC102724058 (uncharacterized LOC102724058; plus strand). Cytogenetic location: 2q24.3.
Variant type: single nucleotide variant.
Coding change: c.3705+3G>T on transcript NM_001165963.4 (MANE Select); 3 bases into the intron after coding-DNA position 3705, G replaced by T.
Molecular consequence: intron variant.
Genome position (GRCh38, 1-based): chr2:166,013,741, C>A on the plus strand (G>T on the coding strand, the complement: SCN1A is on the minus strand). VCF-style: chr2-166013741-C-A. GRCh37 (hg19) VCF-style: chr2-166870251-C-A.
Other names: c.3672+3G>T (NM_001353949.2, NM_001353950.2, NM_001353951.2 and 2 more transcripts); c.3621+3G>T (NM_001353958.2, NM_001353957.2, NM_001165964.3); c.3705+3G>T (NM_001202435.3, NM_001353948.2); c.3669+3G>T (NM_001353955.2, NM_001353954.2); c.3618+3G>T (NM_001353960.2); c.1263+3G>T (NM_001353961.2).
Identifiers: ClinVar variation 1448571 (VCV001448571.7), dbSNP rs2105609368, ClinGen allele CA2573133498.

ClinVar aggregate classification (germline): Uncertain significance (1 of 4 stars; one submission).

Conditions:
Early-infantile DEE. Also called: Early infantile epileptic encephalopathy with suppression bursts; Early infantile epileptic encephalopathy; Ohtahara syndrome. Identifiers: Orphanet 1934, MedGen C0393706, MONDO:0800491.

Submission:

Labcorp Genetics (formerly Invitae), Labcorp
Classification: Uncertain significance for Early-infantile DEE. Last evaluated: 2022-05-25. Review status: criteria provided, single submitter. Criteria: Invitae Variant Classification Sherloc (09022015). Collection method: clinical testing. Allele origin: germline.
Comment: In summary, the available evidence is currently insufficient to determine the role of this variant in disease. Therefore, it has been classified as a Variant of Uncertain Significance. Variants that disrupt the consensus splice site are a relatively common cause of aberrant splicing (PMID: 17576681, 9536098). Algorithms developed to predict the effect of sequence changes on RNA splicing suggest that this variant may disrupt the consensus splice site. This variant has been observed in individual(s) with Dravet syndrome (Invitae). This variant is not present in population databases (gnomAD no frequency). This sequence change falls in intron 18 of the SCN1A gene. It does not directly change the encoded amino acid sequence of the SCN1A protein. It affects a nucleotide within the consensus splice site.

Literature cited by the submitters: PubMed 17576681; PubMed 9536098.